The following is an entry in ClinVar:

ClinVar aggregate classification (germline): Uncertain significance. Review status: criteria provided, multiple submitters, no conflicts (2 of 4 stars). 2 submissions from 2 submitters: Uncertain significance (2). Last evaluated 2026-05-16.

Conditions:
Hereditary cancer-predisposing syndrome. Also called: Hereditary neoplastic syndrome; Neoplastic Syndromes, Hereditary; Tumor predisposition; Hereditary Cancer Syndrome. Identifiers: Orphanet 140162, MedGen C0027672, MeSH D009386, MONDO:0015356.
DICER1-related tumor predisposition. Also called: DICER1 syndrome; DICER1-related pleuropulmonary blastoma cancer predisposition syndrome. Identifiers: Orphanet 284343, MedGen C3839822, MONDO:0100216.

Submissions (2):

Ambry Genetics
Classification: Uncertain significance for Hereditary cancer-predisposing syndrome. Last evaluated: 2026-05-16. Review status: criteria provided, single submitter. Criteria: Ambry Variant Classification Scheme 2023. Collection method: clinical testing. Allele origin: germline.
Comment: The p.E1423D variant (also known as c.4269G>T), located in coding exon 22 of the DICER1 gene, results from a G to T substitution at nucleotide position 4269. The glutamic acid at codon 1423 is replaced by aspartic acid, an amino acid with highly similar properties. This amino acid position is conserved. In addition, this alteration is predicted to be tolerated by in silico analysis. Based on the available evidence, the clinical significance of this variant remains unclear.

Labcorp Genetics (formerly Invitae), Labcorp
Classification: Uncertain significance for DICER1-related tumor predisposition. Last evaluated: 2025-10-24. Review status: criteria provided, single submitter. Criteria: Invitae Variant Classification Sherloc (09022015). Collection method: clinical testing. Allele origin: germline.
Comment: This sequence change replaces glutamic acid, which is acidic and polar, with aspartic acid, which is acidic and polar, at codon 1423 of the DICER1 protein (p.Glu1423Asp). This variant is not present in population databases (gnomAD no frequency). This variant has not been reported in the literature in individuals affected with DICER1-related conditions. Invitae Evidence Modeling of protein sequence and biophysical properties (such as structural, functional, and spatial information, amino acid conservation, physicochemical variation, residue mobility, and thermodynamic stability) indicates that this missense variant is not expected to disrupt DICER1 protein function with a negative predictive value of 95%. In summary, the available evidence is currently insufficient to determine the role of this variant in disease. Therefore, it has been classified as a Variant of Uncertain Significance.

NM_177438.3(DICER1):c.4269G>T (p.Glu1423Asp)

Gene: DICER1 (dicer 1, ribonuclease III; minus strand). Cytogenetic location: 14q32.13.
Variant type: single nucleotide variant.
Coding change: c.4269G>T on transcript NM_177438.3 (MANE Select); coding-DNA position 4269, G replaced by T.
Protein change: p.Glu1423Asp; replaces glutamic acid 1423 with aspartic acid.
Molecular consequence: missense variant. On other transcripts: non-coding transcript variant (6).
Genome position (GRCh38, 1-based): chr14:95,096,651, C>A on the plus strand (G>T on the coding strand, the complement: DICER1 is on the minus strand). VCF-style: chr14-95096651-C-A. GRCh37 (hg19) VCF-style: chr14-95562988-C-A.
Other names: c.4269G>T, p.Glu1423Asp (NM_001195573.1, NM_001271282.3, NM_001291628.2 and 12 more transcripts); c.3987G>T, p.Glu1329Asp (NM_001395686.1); c.3864G>T, p.Glu1288Asp (NM_001395687.1, NM_001395688.1, NM_001395689.1 and 2 more transcripts); c.3702G>T, p.Glu1234Asp (NM_001395691.1); c.2586G>T, p.Glu862Asp (NM_001395697.1); short protein forms E1234D, E1329D, E1288D, E862D, E1423D.
Identifiers: ClinVar variation 4775007 (VCV004775007.2).